The following is an entry in ClinVar:

ClinVar aggregate classification (germline): Conflicting classifications of pathogenicity. Review status: criteria provided, conflicting classifications (1 of 4 stars). 5 submissions from 5 submitters: Uncertain significance (1); Likely benign (4). Last evaluated 2026-01-07.

Conditions:
Cardiovascular phenotype. Identifiers: MedGen CN230736.
JAG1-related disorder. Also called: JAG1-related condition; JAG1-related disorders.
Alagille syndrome due to a JAG1 point mutation. Also called: JAG1-Related Alagille Syndrome; Alagille Syndrome 1; HEPATIC DUCTULAR HYPOPLASIA, SYNDROMATIC. Identifiers: Orphanet 261619, Orphanet 52, MedGen C1956125, MONDO:0016862, OMIM 118450.

Allele frequency attached by ClinVar (database versions not stated): gnomAD exomes 0.00001 and 0.00002; ExAC 0.00005; gnomAD 0.00005 and 0.00006; TOPMed 0.00005; ESP Exome Variant Server 0.00015.
gnomAD v4.1: 33 of 1,613,966 alleles (0.002%); highest among the groups gnomAD compares: South Asian, 0.0099%; no homozygotes.

Submissions (5):

Labcorp Genetics (formerly Invitae), Labcorp
Classification: Likely benign for Alagille syndrome due to a JAG1 point mutation. Last evaluated: 2026-01-07. Review status: criteria provided, single submitter. Criteria: Invitae Variant Classification Sherloc (09022015). Collection method: clinical testing. Allele origin: germline.

PreventionGenetics, part of Exact Sciences
Classification: Likely benign for JAG1-related condition. Last evaluated: 2025-12-03. Review status: criteria provided, single submitter. Criteria: ACMG Guidelines, 2015. Collection method: clinical testing. Allele origin: germline.
Comment: This variant is classified as likely benign based on ACMG/AMP sequence variant interpretation guidelines (Richards et al. 2015 PMID: 25741868, with internal and published modifications).

Ambry Genetics
Classification: Likely benign for Cardiovascular phenotype. Last evaluated: 2022-10-23. Review status: criteria provided, single submitter. Criteria: Ambry Variant Classification Scheme 2023. Collection method: clinical testing. Allele origin: germline.

Blueprint Genetics
Classification: Likely benign. Last evaluated: 2019-09-10. Review status: criteria provided, single submitter. Criteria: ACMG Guidelines, 2015. Collection method: clinical testing. Allele origin: germline.

Eurofins Ntd Llc (ga)
Classification: Uncertain significance. Last evaluated: 2018-07-10. Review status: criteria provided, single submitter. Criteria: EGL ClinVar v180209 classification definitions. Collection method: clinical testing. Allele origin: germline. Observed: 1 variant allele, 1 heterozygote.

NM_000214.3(JAG1):c.2877G>A (p.Ala959=)

Gene: JAG1 (jagged canonical Notch ligand 1; minus strand). Cytogenetic location: 20p12.2.
Variant type: single nucleotide variant.
Coding change: c.2877G>A on transcript NM_000214.3 (MANE Select); coding-DNA position 2877, G replaced by A.
Protein change: p.Ala959=; no amino-acid change (alanine 959 retained).
Molecular consequence: synonymous variant.
Genome position (GRCh38, 1-based): chr20:10,641,499, C>T on the plus strand (G>A on the coding strand, the complement: JAG1 is on the minus strand). VCF-style: chr20-10641499-C-T. GRCh37 (hg19) VCF-style: chr20-10622147-C-T.
Other names: c.2877G>A, p.Ala959= (LRG_1191t1).
Identifiers: ClinVar variation 597977 (VCV000597977.17), dbSNP rs142085300, ClinGen allele CA9764374.
Genomic context (GRCh38, chr20:10,641,499, plus strand): 5'-AAAACAAAGGTTGTTACATACTGGTGACATCATCTCCTTGTTAAAGGTAAATGTGATGTT[C>T]GCACAGTTATCCTGGTAATAGGAGTCAGAGGTGCACTTTGTCTTCACCGGCTGGAGACTG-3'
Protein context (NP_000205.1, residues 949-969): TSDSYYQDNC[Ala959=]NITFTFNKEM